The following is an entry in ClinVar:

ClinVar aggregate classification (germline): Likely pathogenic (0 of 4 stars; one submission).

Conditions:
Stüve-Wiedemann syndrome 1. Also called: STUVE-WIEDEMANN/SCHWARTZ-JAMPEL TYPE 2 SYNDROME. Identifiers: Orphanet 3206, MedGen C5676888, MONDO:0800043, OMIM 601559.

Submission:

Hacettepe Pediatric Genetics Laboratory, Hacettepe University
Classification: Likely pathogenic for Stüve-Wiedemann syndrome 1. Last evaluated: 2022-03-11. Review status: no assertion criteria provided. Collection method: clinical testing. Allele origin: germline. Inheritance: Autosomal recessive inheritance. Affected: yes. Observed: 1 compound heterozygote.
Comment: This variant was neither found in ExAC nor HGMD. This change was classified as “likely pathogenic” according to the ACMG guidelines and predicted to be disease causing by in silico analysis such as MutationTaster.

NM_001127671.2(LIFR):c.1105dup (p.Tyr369fs)

Gene: LIFR (LIF receptor subunit alpha; minus strand). Cytogenetic location: 5p13.1.
Variant type: Duplication.
Coding change: c.1105dup on transcript NM_001127671.2 (MANE Select); coding-DNA position 1105, one base duplicated (T; older notation c.1105dupT).
Protein change: p.Tyr369fs; shifts the reading frame from tyrosine 369.
Molecular consequence: frameshift variant.
Genome position (GRCh38, 1-based): chr5:38,506,519, A duplicated on the plus strand (T on the coding strand, the reverse complement: LIFR is on the minus strand). VCF-style (leftmost placement, unchanged base first): chr5-38506518-T-TA. GRCh37 (hg19) VCF-style: chr5-38506620-T-TA.
Other names: p.Tyr369LeufsTer5; c.1105dup, p.Tyr369fs (NM_001364297.2, NM_001364298.2, NM_002310.6); c.1105_1106insT (NM_002310.6); short protein forms Y369fs.
Identifiers: ClinVar variation 1343414 (VCV001343414.2), dbSNP rs2531047728, ClinGen allele CA2580073269.